The following is an entry in ClinVar:

ClinVar aggregate classification (germline): Benign/Likely benign. Review status: criteria provided, multiple submitters, no conflicts (2 of 4 stars). 5 submissions from 5 submitters: Benign (3); Likely benign (1). 1 of the submissions does not count toward it. Last evaluated 2026-08-01.

Conditions:
Posterior polymorphous corneal dystrophy. Also called: Polymorphous corneal dystrophy; CORNEAL DYSTROPHY, HEREDITARY POLYMORPHOUS POSTERIOR. Identifiers: Orphanet 98973, MedGen C0339284, MONDO:0020364, HP:0007915.
VSX1-related disorder. Also called: VSX1-related condition.

Allele frequency attached by ClinVar (database versions not stated): 1000 Genomes Project 30x 0.00078; 1000 Genomes Project 0.00080; ExAC 0.00270; TOPMed 0.00386; gnomAD 0.00398; ESP Exome Variant Server 0.00453.
gnomAD v4.1: 9,417 of 1,530,660 alleles (0.62%); highest among the groups gnomAD compares: Non-Finnish European, 0.74%; 35 homozygotes.

Submissions (5):

CeGaT Center for Human Genetics Tuebingen
Classification: Likely benign. Last evaluated: 2026-08-01. Review status: criteria provided, single submitter. Criteria: CeGaT Center For Human Genetics Tuebingen Variant Classification Criteria Version 2. Collection method: clinical testing. Allele origin: germline. Affected: yes. Observed: 1 variant allele.
Comment: VSX1: BP4, BP7, BS2

Labcorp Genetics (formerly Invitae), Labcorp
Classification: Benign. Last evaluated: 2025-12-24. Review status: criteria provided, single submitter. Criteria: Invitae Variant Classification Sherloc (09022015). Collection method: clinical testing. Allele origin: germline.

Illumina Laboratory Services, Illumina
Classification: Benign for Polymorphous corneal dystrophy. Last evaluated: 2018-01-12. Review status: criteria provided, single submitter. Criteria: ICSL Variant Classification Criteria 13 December 2019. Collection method: clinical testing. Allele origin: germline.
Comment: This variant was observed in the ICSL laboratory as part of a predisposition screen in an ostensibly healthy population. It had not been previously curated by ICSL or reported in the Human Gene Mutation Database (HGMD: prior to June 1st, 2018), and was therefore a candidate for classification through an automated scoring system. Utilizing variant allele frequency, disease prevalence and penetrance estimates, and inheritance mode, an automated score was calculated to assess if this variant is too frequent to cause the disease. Based on the score and internal cut-off values, a variant classified as benign is not then subjected to further curation. The score for this variant resulted in a classification of benign for this disease.

Breakthrough Genomics
Classification: Benign. Review status: criteria provided, single submitter. Criteria: ACMG Guidelines, 2015. Collection method: not provided. Allele origin: germline. Inheritance: Autosomal dominant inheritance. Affected: yes.

PreventionGenetics, part of Exact Sciences
Classification: Benign for VSX1-related condition. Last evaluated: 2019-09-23. Review status: no assertion criteria provided. Collection method: clinical testing. Allele origin: germline. Not counted in ClinVar's aggregate classification.
Comment: This variant is classified as benign based on ACMG/AMP sequence variant interpretation guidelines (Richards et al. 2015 PMID: 25741868, with internal and published modifications).

NM_014588.6(VSX1):c.174G>T (p.Pro58=)

Gene: VSX1 (visual system homeobox 1; minus strand). Cytogenetic location: 20p11.21.
Variant type: single nucleotide variant.
Coding change: c.174G>T on transcript NM_014588.6 (MANE Select); coding-DNA position 174, G replaced by T.
Protein change: p.Pro58=; no amino-acid change (proline 58 retained).
Molecular consequence: synonymous variant. On other transcripts: non-coding transcript variant (2).
Genome position (GRCh38, 1-based): chr20:25,081,923, C>A on the plus strand (G>T on the coding strand, the complement: VSX1 is on the minus strand). VCF-style: chr20-25081923-C-A. GRCh37 (hg19) VCF-style: chr20-25062559-C-A.
Other names: c.174G>T, p.Pro58= (NM_001256271.2, NM_001256272.2, NM_199425.3).
Identifiers: ClinVar variation 337969 (VCV000337969.12), dbSNP rs141241716, ClinGen allele CA9793692.